The following is an entry in ClinVar:

ClinVar aggregate classification (germline): Benign (1 of 4 stars; one submission).

Allele frequency attached by ClinVar (database versions not stated): 1000 Genomes Project 0.15775; 1000 Genomes Project 30x 0.16630; gnomAD 0.17011 and 0.17113; TOPMed 0.18442.
gnomAD v4.1: 25,606 of 150,890 alleles (17%); highest among the groups gnomAD compares: Admixed American, 28%; 2,350 homozygotes.

Submission:

GeneDx
Classification: Benign. Last evaluated: 2018-06-19. Review status: criteria provided, single submitter. Criteria: GeneDx Variant Classification (06012015). Collection method: clinical testing. Allele origin: germline. Affected: yes.
Comment: This variant is considered likely benign or benign based on one or more of the following criteria: it is a conservative change, it occurs at a poorly conserved position in the protein, it is predicted to be benign by multiple in silico algorithms, and/or has population frequency not consistent with disease.

NM_000089.4(COL1A2):c.2026-265G>A

Gene: COL1A2 (collagen type I alpha 2 chain; plus strand). Cytogenetic location: 7q21.3.
Variant type: single nucleotide variant.
Coding change: c.2026-265G>A on transcript NM_000089.4 (MANE Select); 265 bases into the intron before coding-DNA position 2026, G replaced by A.
Molecular consequence: intron variant.
Genome position (GRCh38, 1-based): chr7:94,419,233, G>A. VCF-style: chr7-94419233-G-A. GRCh37 (hg19) VCF-style: chr7-94048545-G-A.
Identifiers: ClinVar variation 683358 (VCV000683358.1), dbSNP rs10487255, ClinGen allele CA162931947.